The following is an entry in ClinVar:

ClinVar aggregate classification (germline): Pathogenic (1 of 4 stars; one submission).

Conditions:
Duchenne muscular dystrophy (DMD). Also called: MUSCULAR DYSTROPHY, PSEUDOHYPERTROPHIC PROGRESSIVE, DUCHENNE TYPE; Duchenne Muscular Dystrophy (DMD). Identifiers: Orphanet 98896, MedGen C0013264, MONDO:0010679, OMIM 310200.

Submission:

Labcorp Genetics (formerly Invitae), Labcorp
Classification: Pathogenic for Duchenne muscular dystrophy. Last evaluated: 2025-02-17. Review status: criteria provided, single submitter. Criteria: Invitae Variant Classification Sherloc (09022015). Collection method: clinical testing. Allele origin: germline.
Comment: This sequence change creates a premature translational stop signal (p.Trp183*) in the DMD gene. It is expected to result in an absent or disrupted protein product. Loss-of-function variants in DMD are known to be pathogenic (PMID: 16770791, 25007885). This variant is not present in population databases (gnomAD no frequency). This premature translational stop signal has been observed in individual(s) with Duchenne muscular dystrophy (PMID: 19937601). For these reasons, this variant has been classified as Pathogenic.

Literature cited by the submitters: PubMed 16770791; PubMed 25007885; PubMed 19937601.

NM_004006.3(DMD):c.549G>A (p.Trp183Ter)

Gene: DMD (dystrophin; minus strand). Cytogenetic location: Xp21.1.
Variant type: single nucleotide variant.
Coding change: c.549G>A on transcript NM_004006.3 (MANE Select); coding-DNA position 549, G replaced by A.
Protein change: p.Trp183Ter; replaces tryptophan 183 with a stop codon.
Molecular consequence: nonsense.
Genome position (GRCh38, 1-based): chrX:32,809,593, C>T on the plus strand (G>A on the coding strand, the complement: DMD is on the minus strand). VCF-style: chrX-32809593-C-T. GRCh37 (hg19) VCF-style: chrX-32827710-C-T.
Other names: c.525G>A, p.Trp175Ter (NM_000109.4); c.537G>A, p.Trp179Ter (NM_004009.3); c.180G>A, p.Trp60Ter (NM_004010.3); short protein forms W175*, W179*, W183*, W60*.
Identifiers: ClinVar variation 4710703 (VCV004710703.1), dbSNP rs2148751752.
Genomic context (GRCh38, chrX:32,809,593, plus strand): 5'-GGCGATGTTGAATGCATGTTCCAGTCGTTGTGTGGCTGACTGCTGGCAAACCACACTATT[C>T]CAGTCAAATAGGTCTGGCCTAAAACACATACACATACACACATACACAAAGACAAATATA-3'